The following is an entry in ClinVar:

ClinVar aggregate classification (germline): Likely benign. Review status: criteria provided, single submitter (1 of 4 stars). 2 submissions from 2 submitters: Likely benign (1). 1 of the submissions does not count toward it. Last evaluated 2018-01-31.

Conditions:
PLXND1-related disorder. Also called: PLXND1-related condition.

Submissions (2):

Labcorp Genetics (formerly Invitae), Labcorp
Classification: Likely benign. Last evaluated: 2018-01-31. Review status: criteria provided, single submitter. Criteria: Invitae Variant Classification Sherloc (09022015). Collection method: clinical testing. Allele origin: germline.

PreventionGenetics, part of Exact Sciences
Classification: Likely benign for PLXND1-related condition. Last evaluated: 2019-07-08. Review status: no assertion criteria provided. Collection method: clinical testing. Allele origin: germline. Not counted in ClinVar's aggregate classification.
Comment: This variant is classified as likely benign based on ACMG/AMP sequence variant interpretation guidelines (Richards et al. 2015 PMID: 25741868, with internal and published modifications).

NM_015103.3(PLXND1):c.5446-10CT[4]

Gene: PLXND1 (plexin D1; minus strand). Cytogenetic location: 3q22.1.
Variant type: Microsatellite.
Coding change: c.5446-10CT[4] on transcript NM_015103.3 (MANE Select); four copies in a row of the 2-base unit CT starting at c.5446-10; the reference has two copies in a row; two copies, 4 bases duplicated.
Molecular consequence: intron variant.
Genome position (GRCh38, 1-based): chr3:129,557,230-129,557,233, AGAG duplicated on the plus strand (CTCT on the coding strand, the reverse complement: PLXND1 is on the minus strand); duplicating any 4 consecutive bases within chr3:129,557,230-129,557,234 gives the same sequence; the position shown is the placement nearest the transcript's 3' end. VCF-style (leftmost placement, unchanged base first): chr3-129557229-C-CAGAG. GRCh37 (hg19) VCF-style: chr3-129276072-C-CAGAG.
Other names: c.5446-10_5446-7dupCTCT (NM_015103.2).
Identifiers: ClinVar variation 722559 (VCV000722559.5), dbSNP rs759816862, ClinGen allele CA2607831.